The following is an entry in ClinVar:

NM_006206.6(PDGFRA):c.1105A>G (p.Lys369Glu)

Gene: PDGFRA (platelet derived growth factor receptor alpha; plus strand). Cytogenetic location: 4q12.
Variant type: single nucleotide variant.
Coding change: c.1105A>G on transcript NM_006206.6 (MANE Select); coding-DNA position 1105, A replaced by G.
Protein change: p.Lys369Glu; replaces lysine 369 with glutamic acid.
Molecular consequence: missense variant.
Genome position (GRCh38, 1-based): chr4:54,267,725, A>G. VCF-style: chr4-54267725-A-G. GRCh37 (hg19) VCF-style: chr4-55133892-A-G.
Other names: c.1105A>G, p.Lys369Glu (NM_001347827.2, NM_001347829.2); c.1180A>G, p.Lys394Glu (NM_001347828.2); c.1144A>G, p.Lys382Glu (NM_001347830.2); short protein forms K369E, K382E, K394E.
Identifiers: ClinVar variation 2858980 (VCV002858980.3), dbSNP rs2475456690, ClinGen allele CA356891808.

ClinVar aggregate classification (germline): Uncertain significance (1 of 4 stars; one submission).

Conditions:
Gastrointestinal stromal tumor. Also called: Gastrointestinal stromal tumor, somatic; Gastrointestinal stroma tumor. Identifiers: Orphanet 44890, MedGen C0238198, MeSH D046152, MONDO:0011719, OMIM 606764, HP:0100723.

Submission:

Labcorp Genetics (formerly Invitae), Labcorp
Classification: Uncertain significance for Gastrointestinal stromal tumor. Last evaluated: 2023-04-25. Review status: criteria provided, single submitter. Criteria: Invitae Variant Classification Sherloc (09022015). Collection method: clinical testing. Allele origin: germline.
Comment: This sequence change replaces lysine, which is basic and polar, with glutamic acid, which is acidic and polar, at codon 369 of the PDGFRA protein (p.Lys369Glu). This variant is not present in population databases (gnomAD no frequency). In summary, the available evidence is currently insufficient to determine the role of this variant in disease. Therefore, it has been classified as a Variant of Uncertain Significance. Advanced modeling of protein sequence and biophysical properties (such as structural, functional, and spatial information, amino acid conservation, physicochemical variation, residue mobility, and thermodynamic stability) performed at Invitae indicates that this missense variant is not expected to disrupt PDGFRA protein function. This variant has not been reported in the literature in individuals affected with PDGFRA-related conditions.